The following is an entry in ClinVar:

NM_001130009.3(GEN1):c.851A>G (p.Asp284Gly)

Gene: GEN1 (GEN1 Holliday junction 5' flap endonuclease; plus strand). Cytogenetic location: 2p24.2.
Variant type: single nucleotide variant.
Coding change: c.851A>G on transcript NM_001130009.3 (MANE Select); coding-DNA position 851, A replaced by G.
Protein change: p.Asp284Gly; replaces aspartic acid 284 with glycine.
Molecular consequence: missense variant.
Genome position (GRCh38, 1-based): chr2:17,772,682, A>G. VCF-style: chr2-17772682-A-G. GRCh37 (hg19) VCF-style: chr2-17953949-A-G.
Other names: c.851A>G, p.Asp284Gly (NM_182625.5); short protein forms D284G.
Identifiers: ClinVar variation 4263094 (VCV004263094.1).
Genomic context (GRCh38, chr2:17,772,682, plus strand): 5'-GTCTCCATAAAGGTTCACCTAAGGATCATGAACGTAATGGATGCAGATTATGTAAAAGTG[A>G]TAAATATTGTGAGCCACATGACTATGAATACTGCTGTCCTTGTGAGTGGCACCGTACAGA-3'
Protein context (NP_001123481.3, residues 274-294): ERNGCRLCKS[Asp284Gly]KYCEPHDYEY

ClinVar aggregate classification (germline): Uncertain significance (1 of 4 stars; one submission).

gnomAD v4.1: 3 of 1,612,342 alleles (0.00019%); highest among the groups gnomAD compares: African/African-American, 0.0013%; no homozygotes.

Submission:

Ambry Genetics
Classification: Uncertain significance. Last evaluated: 2025-08-24. Review status: criteria provided, single submitter. Criteria: Ambry Variant Classification Scheme 2023. Collection method: clinical testing. Allele origin: germline.
Comment: The p.D284G variant (also known as c.851A>G), located in coding exon 7 of the GEN1 gene, results from an A to G substitution at nucleotide position 851. The aspartic acid at codon 284 is replaced by glycine, an amino acid with similar properties. This amino acid position is conserved. In addition, this alteration is predicted to be tolerated by in silico analysis. Based on the available evidence, the clinical significance of this variant remains unclear.